The following is an entry in ClinVar:

ClinVar aggregate classification (germline): Uncertain significance (1 of 4 stars; one submission).

Conditions:
Immunodeficiency 132A. Also called: Herpes simplex encephalitis, susceptibility to, 3. Identifiers: Orphanet 1930, MedGen C3553868, MONDO:0013920, OMIM 614849.

Allele frequency attached by ClinVar (database versions not stated): gnomAD exomes 0.00006 and 0.00014; TOPMed 0.00009; ESP Exome Variant Server 0.00015; ExAC 0.00006; gnomAD 0.00009.
gnomAD v4.1: 218 of 1,612,750 alleles (0.014%); highest among the groups gnomAD compares: Non-Finnish European, 0.018%; no homozygotes.

Submission:

Labcorp Genetics (formerly Invitae), Labcorp
Classification: Uncertain significance for Immunodeficiency 132A. Last evaluated: 2025-12-16. Review status: criteria provided, single submitter. Criteria: Invitae Variant Classification Sherloc (09022015). Collection method: clinical testing. Allele origin: germline.
Comment: This sequence change replaces threonine, which is neutral and polar, with serine, which is neutral and polar, at codon 244 of the TRAF3 protein (p.Thr244Ser). This variant is present in population databases (rs149327017, gnomAD 0.02%). This variant has not been reported in the literature in individuals affected with TRAF3-related conditions. ClinVar contains an entry for this variant (Variation ID: 934763). An algorithm developed to predict the effect of missense changes on protein structure and function (PolyPhen-2) suggests that this variant is likely to be disruptive. In summary, the available evidence is currently insufficient to determine the role of this variant in disease. Therefore, it has been classified as a Variant of Uncertain Significance.

NM_145725.3(TRAF3):c.730A>T (p.Thr244Ser)

Gene: TRAF3 (TNF receptor associated factor 3; plus strand). Cytogenetic location: 14q32.32.
Variant type: single nucleotide variant.
Coding change: c.730A>T on transcript NM_145725.3 (MANE Select); coding-DNA position 730, A replaced by T.
Protein change: p.Thr244Ser; replaces threonine 244 with serine.
Molecular consequence: missense variant. On other transcripts: intron variant (1).
Genome position (GRCh38, 1-based): chr14:102,891,328, A>T. VCF-style: chr14-102891328-A-T. GRCh37 (hg19) VCF-style: chr14-103357665-A-T.
Other names: c.730A>T, p.Thr244Ser (NM_001385142.1, NM_003300.4); c.649A>T, p.Thr217Ser (NM_001385143.1); c.655A>T, p.Thr219Ser (NM_145726.3); c.571-5933A>T (NM_001199427.2); short protein forms T219S, T244S, T217S.
Identifiers: ClinVar variation 934763 (VCV000934763.10), dbSNP rs149327017, ClinGen allele CA7359383.
Genomic context (GRCh38, chr14:102,891,328, plus strand): 5'-TCTGCCCTTTGAAATGCAGCGAGGTTCGCTGAATGCCTCACATGTTTGCTCTCGCAGGGG[A>T]CAAACCAGCAGATCAAGGCCCACGAGGCCAGCTCCGCCGTGCAGCACGTCAACCTGCTGA-3'
Protein context (NP_663777.1, residues 234-254): FKRYGCVFQG[Thr244Ser]NQQIKAHEAS